The following is an entry in ClinVar:

ClinVar aggregate classification (germline): Uncertain significance (1 of 4 stars; one submission).

Allele frequency attached by ClinVar (database versions not stated): gnomAD exomes below 0.00001; ExAC 0.00001; TOPMed 0.00002; gnomAD 0.00003; ESP Exome Variant Server 0.00008.
gnomAD v4.1: 8 of 1,613,514 alleles (0.0005%); highest among the groups gnomAD compares: Admixed American, 0.0067%; no homozygotes.

Submission:

Ambry Genetics
Classification: Uncertain significance. Last evaluated: 2023-09-27. Review status: criteria provided, single submitter. Criteria: Ambry Variant Classification Scheme 2023. Collection method: clinical testing. Allele origin: germline.
Comment: The p.W304R variant (also known as c.910T>C), located in coding exon 2 of the PALLD gene, results from a T to C substitution at nucleotide position 910. The tryptophan at codon 304 is replaced by arginine, an amino acid with dissimilar properties. This amino acid position is conserved. In addition, this alteration is predicted to be deleterious by in silico analysis. Since supporting evidence is limited at this time, the clinical significance of this alteration remains unclear.

NM_001166108.2(PALLD):c.910T>C (p.Trp304Arg)

Gene: PALLD (palladin, cytoskeletal associated protein; plus strand). Cytogenetic location: 4q32.3.
Variant type: single nucleotide variant.
Coding change: c.910T>C on transcript NM_001166108.2 (MANE Select); coding-DNA position 910, T replaced by C.
Protein change: p.Trp304Arg; replaces tryptophan 304 with arginine.
Molecular consequence: missense variant. On other transcripts: 5 prime UTR variant (1).
Genome position (GRCh38, 1-based): chr4:168,668,191, T>C. VCF-style: chr4-168668191-T-C. GRCh37 (hg19) VCF-style: chr4-169589342-T-C.
Other names: c.-237T>C (NM_001166109.2); c.910T>C, p.Trp304Arg (NM_016081.4); short protein forms W304R.
Identifiers: ClinVar variation 1765847 (VCV001765847.2), dbSNP rs370500761, ClinGen allele CA3135467.
Genomic context (GRCh38, chr4:168,668,191, plus strand): 5'-TTAAACATCACCATTTCCTTTCTTTCCCTCCTATCCTTTGACCTCCATTTGGCCTGCAGA[T>C]GGTTCTGTGAAGGGAAAGAACTGCACAACACTCCTGATATTCAAATCCACTGTGAGGGAG-3'
Protein context (NP_001159580.1, residues 294-314): VTGNPTPRVR[Trp304Arg]FCEGKELHNT